The following is an entry in ClinVar:

ClinVar aggregate classification (germline): Uncertain significance. Review status: criteria provided, multiple submitters, no conflicts (2 of 4 stars). 4 submissions from 4 submitters: Uncertain significance (4). Last evaluated 2025-10-29.

Conditions:
3M syndrome 2. Also called: 3-M Syndrome, OBSL1-Related; THREE M SYNDROME 2. Identifiers: Orphanet 2616, MedGen C2752041, MONDO:0013039, OMIM 612921.
Inborn genetic diseases. Identifiers: MedGen C0950123, MeSH D030342.

Allele frequency attached by ClinVar (database versions not stated): gnomAD 0.00001 and 0.00002; TOPMed 0.00001.

Submissions (4):

Ambry Genetics
Classification: Uncertain significance for Inborn genetic diseases. Last evaluated: 2025-10-29. Review status: criteria provided, single submitter. Criteria: Ambry Variant Classification Scheme 2023. Collection method: clinical testing. Allele origin: germline.

Women's Health and Genetics/Laboratory Corporation of America, LabCorp
Classification: Uncertain significance. Last evaluated: 2024-03-26. Review status: criteria provided, single submitter. Criteria: LabCorp Variant Classification Summary - May 2015. Collection method: clinical testing. Allele origin: germline.
Comment: Variant summary: OBSL1 c.2498G>A (p.Arg833Gln) results in a conservative amino acid change located in the Immunoglobulin-like domain (IPR007110) of the encoded protein sequence. Four of five in-silico tools predict a benign effect of the variant on protein function. The variant allele was found at a frequency of 2e-05 in 249240 control chromosomes. The available data on variant occurrences in the general population are insufficient to allow any conclusion about variant significance. To our knowledge, no occurrence of c.2498G>A in individuals affected with Three M Syndrome 2 and no experimental evidence demonstrating its impact on protein function have been reported. ClinVar contains an entry for this variant (Variation ID: 898878). Based on the evidence outlined above, the variant was classified as uncertain significance.

Illumina Laboratory Services, Illumina
Classification: Uncertain significance for 3M syndrome 2. Last evaluated: 2018-01-13. Review status: criteria provided, single submitter. Criteria: ICSL Variant Classification Criteria 13 December 2019. Collection method: clinical testing. Allele origin: germline.

Breakthrough Genomics
Classification: Uncertain significance. Review status: criteria provided, single submitter. Criteria: ACMG Guidelines, 2015. Collection method: not provided. Allele origin: germline. Inheritance: Autosomal recessive inheritance. Affected: yes.

NM_015311.3(OBSL1):c.2498G>A (p.Arg833Gln)

Gene: OBSL1 (obscurin like cytoskeletal adaptor 1; minus strand). Cytogenetic location: 2q35.
Variant type: single nucleotide variant.
Coding change: c.2498G>A on transcript NM_015311.3 (MANE Select); coding-DNA position 2498, G replaced by A.
Protein change: p.Arg833Gln; replaces arginine 833 with glutamine.
Molecular consequence: missense variant.
Genome position (GRCh38, 1-based): chr2:219,563,537, C>T on the plus strand (G>A on the coding strand, the complement: OBSL1 is on the minus strand). VCF-style: chr2-219563537-C-T. GRCh37 (hg19) VCF-style: chr2-220428259-C-T.
Other names: c.2498G>A, p.Arg833Gln (NM_001173408.2, NM_001173431.2); short protein forms R833Q.
Identifiers: ClinVar variation 898878 (VCV000898878.10), dbSNP rs754132672, ClinGen allele CA2131199.